The following is an entry in ClinVar:

NM_138711.6(PPARG):c.299C>T (p.Pro100Leu)

Gene: PPARG (peroxisome proliferator activated receptor gamma; plus strand). Cytogenetic location: 3p25.2.
Variant type: single nucleotide variant.
Coding change: c.299C>T on transcript NM_138711.6 (MANE Select); coding-DNA position 299, C replaced by T.
Protein change: p.Pro100Leu; replaces proline 100 with leucine.
Molecular consequence: missense variant. On other transcripts: 5 prime UTR variant (1).
Genome position (GRCh38, 1-based): chr3:12,381,400, C>T. VCF-style: chr3-12381400-C-T. GRCh37 (hg19) VCF-style: chr3-12422899-C-T.
Other names: c.299C>T, p.Pro100Leu (NM_001330615.4, NM_001354666.3, NM_001354667.3 and 6 more transcripts); c.389C>T, p.Pro130Leu (NM_001354668.2, NM_001374265.1, NM_015869.5); c.-129C>T (NM_001354669.2); c.305C>T, p.Pro102Leu (NM_001354670.2, NM_001374266.1); short protein forms P102L, P100L, P130L.
Identifiers: ClinVar variation 4986764 (VCV004986764.1).
Genomic context (GRCh38, chr3:12,381,400, plus strand): 5'-CTGCATCTCCACCTTATTATTCTGAGAAGACTCAGCTCTACAATAAGCCTCATGAAGAGC[C>T]TTCCAACTCCCTCATGGCAATTGAATGTCGTGTCTGTGGAGATAAAGCTTCTGGATTTCA-3'
Protein context (NP_619725.3, residues 90-110): TQLYNKPHEE[Pro100Leu]SNSLMAIECR

ClinVar aggregate classification (germline): Uncertain significance (1 of 4 stars; one submission).

Conditions:
PPARG-related disorder. Also called: PPARG-related condition; PPARG-related disorders.

Submission:

PreventionGenetics, part of Exact Sciences
Classification: Uncertain significance for PPARG-related condition. Last evaluated: 2026-05-29. Review status: criteria provided, single submitter. Criteria: ACMG Guidelines, 2015. Collection method: clinical testing. Allele origin: germline.
Comment: The PPARG c.389C>T variant is predicted to result in the amino acid substitution p.Pro130Leu. To our knowledge, this variant has not been reported in the literature. This variant is reported in 0.0029% of alleles in individuals of Latino descent in gnomAD. At this time, the clinical significance of this variant is uncertain due to the absence of conclusive functional and genetic evidence.